The following is an entry in ClinVar:

NM_025137.4(SPG11):c.6230_6231del (p.Thr2077fs)

Gene: SPG11 (SPG11 vesicle trafficking associated, spatacsin; minus strand). Cytogenetic location: 15q21.1.
Variant type: Deletion.
Coding change: c.6230_6231del on transcript NM_025137.4 (MANE Select); coding-DNA positions 6230 to 6231, 2 bases deleted (CA; older notation c.6230_6231delCA).
Protein change: p.Thr2077fs; shifts the reading frame from threonine 2077.
Molecular consequence: frameshift variant.
Genome position (GRCh38, 1-based): chr15:44,572,795-44,572,796, TG deleted on the plus strand (CA on the coding strand, the reverse complement: SPG11 is on the minus strand); deleting any 2 consecutive bases within chr15:44,572,795-44,572,797 gives the same sequence; the c. name uses the placement nearest the transcript's 3' end. VCF-style (leftmost placement, unchanged base first): chr15-44572794-CTG-C. GRCh37 (hg19) VCF-style: chr15-44864992-CTG-C.
Other names: c.5891_5892del, p.Thr1964fs (NM_001160227.2); short protein forms T2077fs, T1964fs.
Identifiers: ClinVar variation 534867 (VCV000534867.8), dbSNP rs1555447459, ClinGen allele CA658798319.
Genomic context (GRCh38, chr15:44,572,794, plus strand): 5'-TGCCTACCAATGTGCGGTCTTGACACAGAGTGGTCAGCTGAAGAAATGTCTGGCTTTCCT[CTG>C]TTGGGTTGAACATCTGCTTATGTCCTGTACAGAGAGGTGTGAAGACAGGTGCTGGTTTTA-3'

ClinVar aggregate classification (germline): Pathogenic/Likely pathogenic. Review status: criteria provided, multiple submitters, no conflicts (2 of 4 stars). 3 submissions from 3 submitters: Pathogenic (1); Likely pathogenic (2). Last evaluated 2025-08-22.

Conditions:
Hereditary spastic paraplegia 11. Also called: Spastic Paraplegia 11; Spastic paraplegia, mental retardation and thin corpus callosum; Nakamura Osame syndrome; Autosomal recessive hereditary spastic paraplegia, mental impairment, and thin corpus callosum; SPASTIC PARAPLEGIA, AUTOSOMAL RECESSIVE, COMPLICATED, WITH THIN CORPUS CALLOSUM; SPASTIC PARAPLEGIA, AUTOSOMAL RECESSIVE, WITH MENTAL IMPAIRMENT AND THIN CORPUS CALLOSUM. Identifiers: Orphanet 2822, MedGen C1858479, MONDO:0011445, OMIM 604360.
Charcot-Marie-Tooth disease axonal type 2X. Also called: CHARCOT-MARIE-TOOTH DISEASE, AXONAL, AUTOSOMAL RECESSIVE, TYPE 2X; CHARCOT-MARIE-TOOTH NEUROPATHY, TYPE 2X. Identifiers: Orphanet 466775, MedGen C5569024, MONDO:0014726, OMIM 616668.
Amyotrophic lateral sclerosis type 5 (ALS5). Also called: AMYOTROPHIC LATERAL SCLEROSIS 5, JUVENILE. Identifiers: Orphanet 300605, MedGen C1865864, MONDO:0011196, OMIM 602099.
SPG11-related disorder. Also called: SPG11-related condition.

Submissions (3):

PreventionGenetics, part of Exact Sciences
Classification: Likely pathogenic for SPG11-related condition. Last evaluated: 2025-08-22. Review status: criteria provided, single submitter. Criteria: ACMG Guidelines, 2015. Collection method: clinical testing. Allele origin: germline.
Comment: The SPG11 c.6230_6231delCA variant is predicted to result in a frameshift and premature protein termination (p.Thr2077Argfs*26). To our knowledge, this variant has not been reported in the literature. This variant is absent in a large population database (gnomAD), indicating this variant is rare. Frameshift variants in SPG11 are an established mechanism of disease. This variant is interpreted as likely pathogenic.

Fulgent Genetics
Classification: Likely pathogenic for Amyotrophic lateral sclerosis type 5; Hereditary spastic paraplegia 11; Charcot-Marie-Tooth disease axonal type 2X. Last evaluated: 2024-04-03. Review status: criteria provided, single submitter. Criteria: ACMG Guidelines, 2015. Collection method: clinical testing. Allele origin: germline.

Labcorp Genetics (formerly Invitae), Labcorp
Classification: Pathogenic for Hereditary spastic paraplegia 11. Last evaluated: 2023-11-16. Review status: criteria provided, single submitter. Criteria: Invitae Variant Classification Sherloc (09022015). Collection method: clinical testing. Allele origin: germline.
Comment: This sequence change creates a premature translational stop signal (p.Thr2077Argfs*26) in the SPG11 gene. It is expected to result in an absent or disrupted protein product. Loss-of-function variants in SPG11 are known to be pathogenic (PMID: 19105190, 20110243, 22154821, 26556829). This variant is not present in population databases (gnomAD no frequency). This variant has not been reported in the literature in individuals affected with SPG11-related conditions. ClinVar contains an entry for this variant (Variation ID: 534867). For these reasons, this variant has been classified as Pathogenic.

Literature cited by the submitters: PubMed 19105190 (cited by Labcorp Genetics (formerly Invitae), Labcorp); PubMed 20110243 (cited by Labcorp Genetics (formerly Invitae), Labcorp); PubMed 22154821 (cited by Labcorp Genetics (formerly Invitae), Labcorp); PubMed 26556829 (cited by Labcorp Genetics (formerly Invitae), Labcorp).